The following is an entry in ClinVar:

ClinVar aggregate classification (germline): Likely pathogenic. Review status: reviewed by expert panel (3 of 4 stars). 7 submissions from 7 submitters: Likely pathogenic (1). 6 of the submissions do not count toward it. Last evaluated 2024-12-19.

Conditions:
Glycogen storage disease, type II (IOPD). Also called: Glycogen storage disease type 2; Acid maltase deficiency disease; Aglucosidase alfa; Deficiency of alpha-glucosidase; Deficiency of lysosomal alpha-glucosidase; Glucosidase acid-1,4-alpha deficiency. Identifiers: Orphanet 365, MedGen C0017921, MONDO:0009290, OMIM 232300.

Allele frequency attached by ClinVar (database versions not stated): ExAC 0.00001; gnomAD exomes below 0.00001; TOPMed 0.00002.

Submissions (7):

ClinGen Lysosomal Storage Disorder Variant Curation Expert Panel
Classification: Likely pathogenic for Glycogen storage disease, type II. Last evaluated: 2024-12-19. Review status: reviewed by expert panel. Criteria: clingen_lsd_acmg_specifications_v2-1. Collection method: curation. Allele origin: germline. Inheritance: Autosomal recessive inheritance.
Comment: The NM_000152.5:c.883C>A variant in GAA is a missense variant predicted to cause substitution of His by Asn at amino acid 295 (p.His295Asn). The highest population minor allele frequency in gnomAD v2.1.1 is 0.00012 (3/24448 alleles) in the African population, which is lower than the ClinGen Lysosomal Diseases VCEP’s threshold for PM2 (<0.001), meeting this criterion (PM2_Supporting). The computational predictor REVEL gives a score of 0.716 which is above the thresholds predicting a damaging (>0.7) impact on GAA function (PP3. This variant has been detected in 1 individual with Pompe disease, who was compound heterozygous for the variant and variant c.2560C>T (VCEP Pathogenic) with unknown phase (PMID: 37087815). It has also been detected in 1 individual with low GAA enzyme activity with compound heterozygous for the variant and variant c.1962_1964delAGA; p.Glu655del (VCEP Pathogenic) with unknown phase (Clinical lab data), thus met PM3. At least 2 patient with this variant had documented GAA activity in blood (PMID: 37087815; clinical lab), meeting PP4_Moderate. There is a ClinVar entry for this variant (Variation ID: 953728). In summary, this variant meets the criteria to be classified as Likely Pathogenic for Pompe disease based on the ACMG/AMP criteria applied, as specified by the ClinGen Lysosomal Diseases Variant Curation Expert Panel (Specifications Version 2.0): PM2_supporting, PP3, PM3, PP4_moderate. (Classification approved by the ClinGen Lysosomal Diseases Variant Curation Expert Panel on December 19, 2024)

Genomenon, Inc
Classification: Uncertain significance for Glycogen storage disease, type II. Last evaluated: 2026-07-01. Review status: criteria provided, single submitter. Criteria: Genomenon Sequence Variant Interpretation Standards - Updated. Collection method: curation. Allele origin: germline. Affected: yes. Not counted in ClinVar's aggregate classification.
Comment: GAA p.His295Asn (c.883C>A) is a missense variant that changes the amino acid at codon 295 from Histidine to Asparagine. This variant has been observed in at least one proband with a GAA-related disorder in the compound heterozygous and/or homozygous state (PMID:37087815). It is absent or not present at a significant frequency in gnomAD. In silico models predict that this variant is possibly or probably damaging. In conclusion, we classify GAA p.His295Asn (c.883C>A) as a variant of uncertain significance.

Variantyx, Inc.
Classification: Likely pathogenic for Glycogen storage disease, type II. Last evaluated: 2025-08-27. Review status: criteria provided, single submitter. Criteria: Variantyx Assertion Criteria 2022. Collection method: clinical testing. Allele origin: germline. Inheritance: Autosomal recessive inheritance. Affected: no. Not counted in ClinVar's aggregate classification.
Comment: This is a nonsynonymous variant in the GAA gene (OMIM: 606800). Pathogenic variants in this gene have been associated with autosomal recessive glycogen storage disease II. This variant has been identified in the compound heterozygous state in at least two individuals reported in the published literature (PMID: 37087815) (PM3)., and it has a 0.0067% maximum allele frequency in non-founder control populations (PM2). The clinical symptoms reported for these individuals are highly specific for autosomal recessive glycogen storage disease II, which has a limited genetic etiology (PP4). Multiple computational algorithms predict a deleterious effect for this variant (REVEL score: 0.716) (PP3). T This classification has been validated by an expert panel in ClinVar. Based on the curent evidence, this variant is classified as likely pathogenic for autosomal recessive glycogen storage disease II.

Revvity Omics, Revvity
Classification: Uncertain significance. Last evaluated: 2025-02-20. Review status: criteria provided, single submitter. Criteria: ACMG Guidelines, 2015. Collection method: clinical testing. Allele origin: germline. Not counted in ClinVar's aggregate classification.

Labcorp Genetics (formerly Invitae), Labcorp
Classification: Uncertain significance for Glycogen storage disease, type II. Last evaluated: 2022-07-15. Review status: criteria provided, single submitter. Criteria: Invitae Variant Classification Sherloc (09022015). Collection method: clinical testing. Allele origin: germline. Not counted in ClinVar's aggregate classification.
Comment: This sequence change replaces histidine, which is basic and polar, with asparagine, which is neutral and polar, at codon 295 of the GAA protein (p.His295Asn). This variant is present in population databases (rs751639773, gnomAD 0.02%). This variant has not been reported in the literature in individuals affected with GAA-related conditions. ClinVar contains an entry for this variant (Variation ID: 953728). Advanced modeling of protein sequence and biophysical properties (such as structural, functional, and spatial information, amino acid conservation, physicochemical variation, residue mobility, and thermodynamic stability) performed at Invitae indicates that this missense variant is expected to disrupt GAA protein function. In summary, the available evidence is currently insufficient to determine the role of this variant in disease. Therefore, it has been classified as a Variant of Uncertain Significance.

Fulgent Genetics
Classification: Uncertain significance for Glycogen storage disease, type II. Last evaluated: 2021-09-02. Review status: criteria provided, single submitter. Criteria: ACMG Guidelines, 2015. Collection method: clinical testing. Allele origin: unknown. Not counted in ClinVar's aggregate classification.

Natera, Inc.
Classification: Uncertain significance for Glycogen storage disease type II. Last evaluated: 2021-01-20. Review status: no assertion criteria provided. Collection method: clinical testing. Allele origin: germline. Not counted in ClinVar's aggregate classification.

Literature cited by the submitters: PubMed 37087815 (cited by Genomenon, Inc and Variantyx, Inc.).

NM_000152.5(GAA):c.883C>A (p.His295Asn)

Gene: GAA (alpha glucosidase; plus strand). Cytogenetic location: 17q25.3.
Variant type: single nucleotide variant.
Coding change: c.883C>A on transcript NM_000152.5 (MANE Select); coding-DNA position 883, C replaced by A.
Protein change: p.His295Asn; replaces histidine 295 with asparagine.
Molecular consequence: missense variant.
Genome position (GRCh38, 1-based): chr17:80,107,824, C>A. VCF-style: chr17-80107824-C-A. GRCh37 (hg19) VCF-style: chr17-78081623-C-A.
Other names: NM_000152.5(GAA):c.883C>A; p.His295Asn; c.883C>A, p.His295Asn (NM_001079803.3, NM_001079804.3); short protein forms H295N.
Identifiers: ClinVar variation 953728 (VCV000953728.17), dbSNP rs751639773, ClinGen allele CA8815081.